The following is an entry in ClinVar:

NM_015106.4(RAD54L2):c.389A>G (p.Gln130Arg)

Gene: RAD54L2 (RAD54 like 2; plus strand). Cytogenetic location: 3p21.2.
Variant type: single nucleotide variant.
Coding change: c.389A>G on transcript NM_015106.4 (MANE Select); coding-DNA position 389, A replaced by G.
Protein change: p.Gln130Arg; replaces glutamine 130 with arginine.
Molecular consequence: missense variant.
Genome position (GRCh38, 1-based): chr3:51,629,381, A>G. VCF-style: chr3-51629381-A-G. GRCh37 (hg19) VCF-style: chr3-51663397-A-G.
Other names: c.389A>G, p.Gln130Arg (NM_001322253.2, NM_001322256.2, NM_001387866.1 and 1 more transcripts); c.233A>G, p.Gln78Arg (NM_001387869.1); short protein forms Q130R, Q78R.
Identifiers: ClinVar variation 3374700 (VCV003374700.3).

ClinVar aggregate classification (germline): Likely pathogenic (0 of 4 stars; one submission).

Conditions:
TOP2 deficiency type 1.

Submission:

University Medical Center Utrecht, University Utrecht
Classification: Likely pathogenic for TOP2 deficiency type 1. Review status: no assertion criteria provided. Collection method: clinical testing, in vitro. Allele origin: de novo, not applicable. Inheritance: Autosomal dominant inheritance. Affected: yes. Observed: 1 heterozygote. Functional consequence: protein loss of function.
Comment: Predicted as disease-causing by multiple lines of computational evidence. MutationTaster: disease causing (probability 0.99). Cadd score: 25.7. Low tolerance against loss-of-function (pLI=1). Highly conserved region of the protein, including Gln130 (Phastcons=1, PhyloP=4.58). Structural information about the variant/impact of the variant cannot be provided as the crystal structure of the N-terminal region of RAD4L2 is not known. We studied DNA damage repair capacity after X-ray irradiation and/or after etoposide treatment, a chemotherapeutic agent that stabilizes DNA topoisomerase II cleavage complexes (TOP2ccs), as RAD54L2 is involved in TOP2cc resolution. (D'Alessandro et al., 2023). RAD54L2 knockout cell lines show increased sensitivity to Etoposide treatment.(D'Alessandro et al., 2023). While survival after X-ray irradiation was not appreciably affected in patient-derived fibroblasts of the individual with RAD54L2 VUS, we observed decreased survival of fibroblasts upon etoposide treatment compared to healthy control cells. In addition, compared to control cells, we observed increased yH2AX foci in patient-derived fibroblasts of the indiviudal with RAD54L2 VUS immediately after etoposide treatment (0 hour), which normalized after 4 and 8 hours. Additionally, we did not observe any changes in yH2AX foci levels in individual 106 upon treatment with ionizing radiations, in agreement to the survival data.